The following is an entry in ClinVar:

NM_001378454.1(ALMS1):c.9968A>G (p.Asp3323Gly)

Gene: ALMS1 (ALMS1 centrosome and basal body associated protein; plus strand). Cytogenetic location: 2p13.1.
Variant type: single nucleotide variant.
Coding change: c.9968A>G on transcript NM_001378454.1 (MANE Select); coding-DNA position 9968, A replaced by G.
Protein change: p.Asp3323Gly; replaces aspartic acid 3323 with glycine.
Molecular consequence: missense variant.
Genome position (GRCh38, 1-based): chr2:73,550,327, A>G. VCF-style: chr2-73550327-A-G. GRCh37 (hg19) VCF-style: chr2-73777454-A-G.
Other names: c.9971A>G, p.Asp3324Gly (NM_015120.4); short protein forms D3323G, D3324G.
Identifiers: ClinVar variation 1420149 (VCV001420149.7), dbSNP rs1573013147, ClinGen allele CA347271792.

ClinVar aggregate classification (germline): Uncertain significance. Review status: criteria provided, single submitter (1 of 4 stars). 2 submissions from 2 submitters: Uncertain significance (1). 1 of the submissions does not count toward it. Last evaluated 2021-08-03.

Conditions:
Retinal dystrophy. Also called: Inherited retinal dystrophy. Identifiers: Orphanet 71862, MedGen C0854723, MeSH D058499, MONDO:0019118, HP:0000556.
Alstrom syndrome (ALMS). Identifiers: Orphanet 64, MedGen C0268425, MONDO:0008763, OMIM 203800.

gnomAD v4.1: 2 of 1,614,132 alleles (0.00012%); highest among the groups gnomAD compares: Non-Finnish European, 0.00017%; no homozygotes.

Submissions (2):

Labcorp Genetics (formerly Invitae), Labcorp
Classification: Uncertain significance for Alstrom syndrome. Last evaluated: 2021-08-03. Review status: criteria provided, single submitter. Criteria: Invitae Variant Classification Sherloc (09022015). Collection method: clinical testing. Allele origin: germline.
Comment: This sequence change replaces aspartic acid with glycine at codon 3324 of the ALMS1 protein (p.Asp3324Gly). The aspartic acid residue is highly conserved and there is a moderate physicochemical difference between aspartic acid and glycine. This variant is not present in population databases (ExAC no frequency). This variant has not been reported in the literature in individuals affected with ALMS1-related conditions. Experimental studies and prediction algorithms are not available or were not evaluated, and the functional significance of this variant is currently unknown. In summary, the available evidence is currently insufficient to determine the role of this variant in disease. Therefore, it has been classified as a Variant of Uncertain Significance.

Institute of Human Genetics, Univ. Regensburg, Univ. Regensburg
Classification: Uncertain significance for Retinal dystrophy. Last evaluated: 2022-01-01. Review status: no assertion criteria provided. Criteria: ACMG Guidelines, 2015. Collection method: clinical testing. Allele origin: germline. Affected: yes. Not counted in ClinVar's aggregate classification.